The following is an entry in ClinVar:

ClinVar aggregate classification (germline): Conflicting classifications of pathogenicity. Review status: criteria provided, conflicting classifications (1 of 4 stars). 3 submissions from 3 submitters: Uncertain significance (2); Likely benign (1). Last evaluated 2026-04-20.

Conditions:
Basal cell carcinoma, susceptibility to, 1. Also called: BCC1. Identifiers: MedGen C2751544, MONDO:0011556, OMIM 605462.
Hereditary cancer-predisposing syndrome. Also called: Hereditary neoplastic syndrome; Neoplastic Syndromes, Hereditary; Tumor predisposition; Hereditary Cancer Syndrome. Identifiers: Orphanet 140162, MedGen C0027672, MeSH D009386, MONDO:0015356.
Gorlin syndrome. Also called: Basal cell nevus syndrome; Nevoid Basal Cell Carcinoma Syndrome. Identifiers: Orphanet 377, MedGen C0004779, MONDO:0007187.

Allele frequency attached by ClinVar (database versions not stated): gnomAD exomes below 0.00001; TOPMed below 0.00001.
gnomAD v4.1: 1 of 1,612,936 alleles (0.000062%); highest among the groups gnomAD compares: Admixed American, 0.0017%; no homozygotes.

Submissions (3):

Ambry Genetics
Classification: Uncertain significance for Hereditary cancer-predisposing syndrome. Last evaluated: 2026-04-20. Review status: criteria provided, single submitter. Criteria: Ambry Variant Classification Scheme 2023. Collection method: clinical testing. Allele origin: germline.
Comment: The p.K117R variant (also known as c.350A>G), located in coding exon 2 of the PTCH1 gene, results from an A to G substitution at nucleotide position 350. The lysine at codon 117 is replaced by arginine, an amino acid with highly similar properties. This amino acid position is not conserved however, arginine is a reference amino acid in several species. In addition, this alteration is predicted to be tolerated by in silico analysis. Based on the available evidence, the clinical significance of this variant remains unclear.

Labcorp Genetics (formerly Invitae), Labcorp
Classification: Likely benign for Gorlin syndrome. Last evaluated: 2026-01-07. Review status: criteria provided, single submitter. Criteria: Invitae Variant Classification Sherloc (09022015). Collection method: clinical testing. Allele origin: germline.

Baylor Genetics
Classification: Uncertain significance for Basal cell carcinoma, susceptibility to, 1. Last evaluated: 2023-12-19. Review status: criteria provided, single submitter. Criteria: ACMG Guidelines, 2015. Collection method: clinical testing. Allele origin: unknown.

NM_000264.5(PTCH1):c.350A>G (p.Lys117Arg)

Gene: PTCH1 (patched 1; minus strand). Cytogenetic location: 9q22.32.
Variant type: single nucleotide variant.
Coding change: c.350A>G on transcript NM_000264.5 (MANE Select); coding-DNA position 350, A replaced by G.
Protein change: p.Lys117Arg; replaces lysine 117 with arginine.
Molecular consequence: missense variant. On other transcripts: 5 prime UTR variant (4), non-coding transcript variant (1).
Genome position (GRCh38, 1-based): chr9:95,506,451, T>C on the plus strand (A>G on the coding strand, the complement: PTCH1 is on the minus strand). VCF-style: chr9-95506451-T-C. GRCh37 (hg19) VCF-style: chr9-98268733-T-C.
Other names: c.152A>G, p.Lys51Arg (NM_001083602.3, NM_001354919.2); c.347A>G, p.Lys116Arg (NM_001083603.3); c.-104A>G (NM_001083604.3, NM_001083605.3, NM_001083606.3 and 1 more transcripts); c.350A>G, p.Lys117Arg (NM_001354918.2); short protein forms K117R, K51R, K116R.
Identifiers: ClinVar variation 1041024 (VCV001041024.12), dbSNP rs1234085004, ClinGen allele CA374120225.